The following is an entry in ClinVar:

NM_203446.3(SYNJ1):c.*284G>C

Gene: SYNJ1 (synaptojanin 1; minus strand). Cytogenetic location: 21q22.11.
Variant type: single nucleotide variant.
Coding change: c.*284G>C on transcript NM_203446.3 (MANE Select); 284 bases downstream of the stop codon, G replaced by C.
Molecular consequence: 3 prime UTR variant. On other transcripts: missense variant (2).
Genome position (GRCh38, 1-based): chr21:32,631,521, C>G on the plus strand (G>C on the coding strand, the complement: SYNJ1 is on the minus strand). VCF-style: chr21-32631521-C-G. GRCh37 (hg19) VCF-style: chr21-34003831-C-G.
Other names: c.*284G>C (NM_001160302.2); c.4055G>C, p.Gly1352Ala (NM_001160306.2); c.4313G>C, p.Gly1438Ala (NM_003895.4); short protein forms G1438A, G1352A.
Identifiers: ClinVar variation 1397143 (VCV001397143.5), dbSNP rs2039326240, ClinGen allele CA410082071.

ClinVar aggregate classification (germline): Uncertain significance (1 of 4 stars; one submission).

Conditions:
Developmental and epileptic encephalopathy, 53. Also called: Epileptic encephalopathy, early infantile, 53. Identifiers: MedGen C4479313, MONDO:0033362, OMIM 617389.
Early-onset Parkinson disease 20. Also called: PARKINSON DISEASE 20, AUTOSOMAL RECESSIVE EARLY-ONSET. Identifiers: Orphanet 391411, MedGen C3809824, MONDO:0014233, OMIM 615530.

Submission:

Labcorp Genetics (formerly Invitae), Labcorp
Classification: Uncertain significance for Developmental and epileptic encephalopathy, 53; Early-onset Parkinson disease 20. Last evaluated: 2021-09-17. Review status: criteria provided, single submitter. Criteria: Invitae Variant Classification Sherloc (09022015). Collection method: clinical testing. Allele origin: germline.
Comment: This sequence change replaces glycine with alanine at codon 1438 of the SYNJ1 protein (p.Gly1438Ala). The glycine residue is weakly conserved and there is a small physicochemical difference between glycine and alanine. This variant is not present in population databases (ExAC no frequency). This variant has not been reported in the literature in individuals with SYNJ1-related conditions. Algorithms developed to predict the effect of missense changes on protein structure and function (SIFT, PolyPhen-2, Align-GVGD) all suggest that this variant is likely to be tolerated, but these predictions have not been confirmed by published functional studies and their clinical significance is uncertain. In summary, the available evidence is currently insufficient to determine the role of this variant in disease. Therefore, it has been classified as a Variant of Uncertain Significance.